The following is an entry in ClinVar:

NM_002458.3(MUC5B):c.13296G>A (p.Ala4432=)

Gene: MUC5B (mucin 5B, oligomeric mucus/gel-forming; plus strand). Cytogenetic location: 11p15.5.
Variant type: single nucleotide variant.
Coding change: c.13296G>A on transcript NM_002458.3 (MANE Select); coding-DNA position 13296, G replaced by A.
Protein change: p.Ala4432=; no amino-acid change (alanine 4432 retained).
Molecular consequence: synonymous variant.
Genome position (GRCh38, 1-based): chr11:1,250,176, G>A. VCF-style: chr11-1250176-G-A. GRCh37 (hg19) VCF-style: chr11-1271406-G-A.
Identifiers: ClinVar variation 2641293 (VCV002641293.24), dbSNP rs199809324, ClinGen allele CA5808278.

ClinVar aggregate classification (germline): Likely benign (1 of 4 stars; one submission).

Allele frequency attached by ClinVar (database versions not stated): 1000 Genomes Project 0.00020; gnomAD 0.00057; ExAC 0.00061.
gnomAD v4.1: 764 of 1,585,432 alleles (0.048%); highest among the groups gnomAD compares: African/African-American, 0.039%; 9 homozygotes.

Submission:

CeGaT Center for Human Genetics Tuebingen
Classification: Likely benign. Last evaluated: 2023-04-01. Review status: criteria provided, single submitter. Criteria: CeGaT Center For Human Genetics Tuebingen Variant Classification Criteria Version 2. Collection method: clinical testing. Allele origin: germline. Affected: yes. Observed: 2 variant alleles.
Comment: MUC5B: BP4, BP7